The following is an entry in ClinVar:

NM_000540.3(RYR1):c.8291A>G (p.Glu2764Gly)

Gene: RYR1 (ryanodine receptor 1; plus strand). Cytogenetic location: 19q13.2.
Variant type: single nucleotide variant.
Coding change: c.8291A>G on transcript NM_000540.3 (MANE Select); coding-DNA position 8291, A replaced by G.
Protein change: p.Glu2764Gly; replaces glutamic acid 2764 with glycine.
Molecular consequence: missense variant.
Genome position (GRCh38, 1-based): chr19:38,505,062, A>G. VCF-style: chr19-38505062-A-G. GRCh37 (hg19) VCF-style: chr19-38995702-A-G.
Other names: c.8291A>G, p.Glu2764Gly (NM_001042723.2); c.8291A>G (NM_000540.2); short protein forms E2764G.
Identifiers: ClinVar variation 1437943 (VCV001437943.12), dbSNP rs1403616422, ClinGen allele CA405677233.
Genomic context (GRCh38, chr19:38,505,062, plus strand): 5'-GTGTGATCATCCCGGAGAAGCTGGACTCCTTCATTAACAAGTTTGCGGAGTACACACACG[A>G]GAAGTGGGCCTTCGACAAGGTTGGCCTCAGGGTCCTCCTATCCAAGAAACCCTCAAGACC-3'
Protein context (NP_000531.2, residues 2754-2774): FINKFAEYTH[Glu2764Gly]KWAFDKIQNN

ClinVar aggregate classification (germline): Conflicting classifications of pathogenicity. Review status: criteria provided, conflicting classifications (1 of 4 stars). 5 submissions from 5 submitters: Likely pathogenic (1); Uncertain significance (4). Last evaluated 2026-01-27.

Conditions:
RYR1-related disorder. Also called: RYR1-related condition; RYR1-related disorders. Identifiers: MedGen CN239331.
Malignant hyperthermia, susceptibility to, 1 (MHS1). Also called: RYR1-Related Malignant Hyperthermia Susceptibility; Malignant hyperthermia suceptibility 1; Anesthesia related hyperthermia; Malignant hyperpyrexia; Fulminating hyperpyrexia; Pharmacogenic myopathy. Identifiers: Orphanet 423, MedGen C2930980, MONDO:0007783, OMIM 145600.

Allele frequency attached by ClinVar (database versions not stated): gnomAD exomes below 0.00001; gnomAD 0.00001; TOPMed 0.00001.
gnomAD v4.1: 5 of 1,614,008 alleles (0.00031%); highest among the groups gnomAD compares: Non-Finnish European, 0.00042%; no homozygotes.

Submissions (5):

Labcorp Genetics (formerly Invitae), Labcorp
Classification: Uncertain significance for RYR1-related disorder. Last evaluated: 2026-01-27. Review status: criteria provided, single submitter. Criteria: Invitae Variant Classification Sherloc (09022015). Collection method: clinical testing. Allele origin: germline.
Comment: This sequence change replaces glutamic acid, which is acidic and polar, with glycine, which is neutral and non-polar, at codon 2764 of the RYR1 protein (p.Glu2764Gly). This variant is present in population databases (no rsID available, gnomAD 0.0009%). This variant has not been reported in the literature in individuals affected with RYR1-related conditions. ClinVar contains an entry for this variant (Variation ID: 1437943). Invitae Evidence Modeling of protein sequence and biophysical properties (such as structural, functional, and spatial information, amino acid conservation, physicochemical variation, residue mobility, and thermodynamic stability) indicates that this missense variant is not expected to disrupt RYR1 protein function with a negative predictive value of 80%. In summary, the available evidence is currently insufficient to determine the role of this variant in disease. Therefore, it has been classified as a Variant of Uncertain Significance.

Color Diagnostics, LLC DBA Color Health
Classification: Uncertain significance for Malignant hyperthermia, susceptibility to, 1. Last evaluated: 2025-07-25. Review status: criteria provided, single submitter. Criteria: ACMG Guidelines, 2015. Collection method: clinical testing. Allele origin: germline.
Comment: This missense variant replaces glutamic acid with glycine at codon 2764 of the RYR1 protein. Computational prediction suggests that this variant may have deleterious impact on protein structure and function. To our knowledge, functional studies have not been reported for this variant. This variant has not been reported in individuals affected with RYR1-related disorders in the literature. This variant has been identified in 1/251486 chromosomes in the general population by the Genome Aggregation Database (gnomAD). The available evidence is insufficient to determine the role of this variant in disease conclusively. Therefore, this variant is classified as a Variant of Uncertain Significance.

GeneDx
Classification: Likely pathogenic. Last evaluated: 2025-07-14. Review status: criteria provided, single submitter. Criteria: GeneDx Variant Classification Process June 2021. Collection method: clinical testing. Allele origin: germline. Affected: yes.
Comment: Not observed at significant frequency in large population cohorts (gnomAD); In silico analysis supports that this missense variant has a deleterious effect on protein structure/function; Has not been previously published as pathogenic or benign to our knowledge; This variant is associated with the following publications: (PMID: 34348614, 12668474)

All of Us Research Program, National Institutes of Health
Classification: Uncertain significance for Malignant hyperthermia, susceptibility to, 1. Last evaluated: 2024-09-23. Review status: criteria provided, single submitter. Criteria: ACMG Guidelines, 2015. Collection method: clinical testing. Allele origin: germline. Inheritance: Autosomal dominant inheritance. Observed: 9 variant alleles, 9 heterozygotes.
Comment: This missense variant replaces glutamic acid with glycine at codon 2764 of the RYR1 protein. Computational prediction suggests that this variant may have deleterious impact on protein structure and function (internally defined REVEL score threshold >= 0.7, PMID: 27666373). To our knowledge, functional studies have not been reported for this variant. This variant has not been reported in individuals affected with RYR1-related disorders in the literature. This variant has been identified in 1/251486 chromosomes in the general population by the Genome Aggregation Database (gnomAD). The available evidence is insufficient to determine the role of this variant in disease conclusively. Therefore, this variant is classified as a Variant of Uncertain Significance.

This study involves interpretation of variants in research participants for the purpose of population health screening. Participant phenotype was not available at the time of variant classification. Additional details can be found in publication PMID: 35346344, PMCID: PMC8962531

Women's Health and Genetics/Laboratory Corporation of America, LabCorp
Classification: Uncertain significance. Last evaluated: 2024-05-31. Review status: criteria provided, single submitter. Criteria: LabCorp Variant Classification Summary - May 2015. Collection method: clinical testing. Allele origin: germline.
Comment: Variant summary: RYR1 c.8291A>G (p.Glu2764Gly) results in a non-conservative amino acid change located in the Ryanodine receptor Ryr domain (IPR003032) of the encoded protein sequence. Four of five in-silico tools predict a damaging effect of the variant on protein function. The variant allele was found at a frequency of 4e-06 in 251486 control chromosomes. The available data on variant occurrences in the general population are insufficient to allow any conclusion about variant significance. To our knowledge, no occurrence of c.8291A>G in individuals affected with RYR1-related conditions and no experimental evidence demonstrating its impact on protein function have been reported. ClinVar contains an entry for this variant (Variation ID: 1437943). Based on the evidence outlined above, the variant was classified as uncertain significance.